The following is an entry in ClinVar:

ClinVar aggregate classification (germline): Uncertain significance (1 of 4 stars; one submission).

Conditions:
POLD1-related polyposis and colorectal cancer syndrome (CRCS10). Also called: COLORECTAL CANCER, SUSCEPTIBILITY TO, ON CHROMOSOME 19q; Colorectal cancer 10; Colorectal cancer, susceptibility to, 10. Identifiers: Orphanet 220460, MedGen C2675481, MONDO:0012953, OMIM 612591.

Submission:

Labcorp Genetics (formerly Invitae), Labcorp
Classification: Uncertain significance for POLD1-related polyposis and colorectal cancer syndrome. Last evaluated: 2025-11-02. Review status: criteria provided, single submitter. Criteria: Invitae Variant Classification Sherloc (09022015). Collection method: clinical testing. Allele origin: germline.
Comment: This sequence change falls in intron 2 of the POLD1 gene. It does not directly change the encoded amino acid sequence of the POLD1 protein. This variant is not present in population databases (gnomAD no frequency). This variant has not been reported in the literature in individuals affected with POLD1-related conditions. Algorithms developed to predict the effect of sequence changes on RNA splicing suggest that this variant may create or strengthen a splice site. In summary, the available evidence is currently insufficient to determine the role of this variant in disease. Therefore, it has been classified as a Variant of Uncertain Significance.

NM_002691.4(POLD1):c.203-16_203-11del

Gene: POLD1 (DNA polymerase delta 1, catalytic subunit; plus strand). Cytogenetic location: 19q13.33.
Variant type: Deletion.
Coding change: c.203-16_203-11del on transcript NM_002691.4 (MANE Select); 16 bases into the intron before coding-DNA position 203 through 11 bases into the intron before coding-DNA position 203, 6 bases deleted (TCCCTT; older notation c.203-16_203-11delTCCCTT).
Molecular consequence: intron variant.
Genome position (GRCh38, 1-based): chr19:50,399,355-50,399,360, TCCCTT deleted; deleting any 6 consecutive bases within chr19:50,399,354-50,399,360 gives the same sequence; the c. name uses the placement nearest the transcript's 3' end. VCF-style (leftmost placement, unchanged base first): chr19-50399353-CTTCCCT-C. GRCh37 (hg19) VCF-style: chr19-50902610-CTTCCCT-C.
Other names: c.203-16_203-11del (NM_001256849.1, NM_001438212.1, NM_001438213.1 and 3 more transcripts).
Identifiers: ClinVar variation 4730324 (VCV004730324.1).